The following is an entry in ClinVar:

ClinVar aggregate classification (germline): Pathogenic (1 of 4 stars; one submission).

Conditions:
Intellectual developmental disorder, autosomal dominant 43. Also called: Intellectual disability, autosomal dominant 43. Identifiers: MedGen C4707429, MONDO:0014858, OMIM 616977.

Submission:

Victorian Clinical Genetics Services, Murdoch Childrens Research Institute
Classification: Pathogenic for Intellectual developmental disorder, autosomal dominant 43. Last evaluated: 2025-09-04. Review status: criteria provided, single submitter. Criteria: ACMG Guidelines, 2015. Collection method: clinical testing. Allele origin: germline. Affected: yes.
Comment: This variant is classified as Pathogenic. Evidence in support of pathogenic classification: Variant is predicted to cause nonsense-mediated decay (NMD) and loss of protein (premature termination codon is located at least 54 nucleotides upstream of the final exon-exon junction); Variant is absent from gnomAD (v2, v3 and v4); Other NMD-predicted variant(s) comparable to the one identified in this case have very strong previous evidence for pathogenicity (DECIPHER). Additional information: This variant is heterozygous; This gene is associated with autosomal dominant disease; Loss of function is a known mechanism of disease in this gene and is associated with autosomal dominant intellectual developmental disorder 43 (MIM#616977); Parental origin of the variant is unresolved.

NM_006734.4(HIVEP2):c.5176C>T (p.Gln1726Ter)

Gene: HIVEP2 (HIVEP zinc finger 2; minus strand). Cytogenetic location: 6q24.2.
Variant type: single nucleotide variant.
Coding change: c.5176C>T on transcript NM_006734.4 (MANE Select); coding-DNA position 5176, C replaced by T.
Protein change: p.Gln1726Ter; replaces glutamine 1726 with a stop codon.
Molecular consequence: nonsense.
Genome position (GRCh38, 1-based): chr6:142,769,563, G>A on the plus strand (C>T on the coding strand, the complement: HIVEP2 is on the minus strand). VCF-style: chr6-142769563-G-A. GRCh37 (hg19) VCF-style: chr6-143090700-G-A.
Other names: c.5176C>T, p.Gln1726Ter (NM_001438449.1, NM_001438450.1, NM_001438451.1); short protein forms Q1726*.
Identifiers: ClinVar variation 4532015 (VCV004532015.1).